The following is an entry in ClinVar:

NC_000023.10:g.(?_32305636)_(32366860_?)dup

Gene: DMD (dystrophin; minus strand). Cytogenetic location: Xp21.1.
Variant type: Duplication.
Identifiers: ClinVar variation 655220 (VCV000655220.9).

ClinVar aggregate classification (germline): Likely pathogenic (1 of 4 stars; one submission).

Conditions:
Duchenne muscular dystrophy (DMD). Also called: MUSCULAR DYSTROPHY, PSEUDOHYPERTROPHIC PROGRESSIVE, DUCHENNE TYPE; Duchenne Muscular Dystrophy (DMD). Identifiers: Orphanet 98896, MedGen C0013264, MONDO:0010679, OMIM 310200.

Submission:

Labcorp Genetics (formerly Invitae), Labcorp
Classification: Likely pathogenic for Duchenne muscular dystrophy. Last evaluated: 2019-10-09. Review status: criteria provided, single submitter. Criteria: Invitae Variant Classification Sherloc (09022015). Collection method: clinical testing. Allele origin: germline.
Comment: This variant results in a copy number gain of the genomic region encompassing exons 38-43 of the DMD gene. While the exact position of this variant cannot be determined from this data, sub-genic copy number gains are generally in tandem (PMID: 25640679) and may result in an absent or disrupted protein product. In summary, the currently available evidence indicates that the variant is pathogenic, but additional data are needed to prove that conclusively. Therefore, this variant has been classified as Likely Pathogenic. Loss-of-function variants in DMD are known to be pathogenic (PMID: 16770791, 25007885). A similar copy number gain of exons 38-43 has been reported in an individual affected with¬†Duchenne/Becker muscular dystrophy¬†(PMID: 2316519).

Literature cited by the submitters: PubMed 25640679; PubMed 16770791; PubMed 25007885; PubMed 2316519.